The following is an entry in ClinVar:

ClinVar aggregate classification (germline): Uncertain significance (0 of 4 stars; one submission).

Conditions:
Atrial septal defect 4 (ASD4). Identifiers: Orphanet 1478, MedGen C1969657, MONDO:0012654, OMIM 611363.

Submission:

Laboratory of Genomics, Instituto Nacional de Cardiología Ignacio Chávez
Classification: Uncertain significance for Atrial septal defect 4. Review status: no assertion criteria provided. Collection method: not provided. Allele origin: unknown.
ClinVar note: Converted during submission from unknown to Uncertain significance.

NC_000007.14:g.35202417A>T

Gene: TBX20 (T-box transcription factor 20; minus strand). Cytogenetic location: 7p14.2.
Variant type: single nucleotide variant.
Genome position: GRCh38 VCF-style: chr7-35202417-A-T. GRCh37 (hg19) VCF-style: chr7-35242029-A-T.
Identifiers: ClinVar variation 132828 (VCV000132828.2), dbSNP rs483353004, ClinGen allele CA156245.